The following is an entry in ClinVar:

ClinVar aggregate classification (germline): Uncertain significance (1 of 4 stars; one submission).

Allele frequency attached by ClinVar (database versions not stated): ExAC 0.00014; gnomAD 0.00004; gnomAD exomes 0.00006; TOPMed 0.00007.
gnomAD v4.1: 98 of 1,599,030 alleles (0.0061%); highest among the groups gnomAD compares: Admixed American, 0.046%; 1 homozygote.

Submission:

Ambry Genetics
Classification: Uncertain significance. Last evaluated: 2026-01-05. Review status: criteria provided, single submitter. Criteria: Ambry Variant Classification Scheme 2023. Collection method: clinical testing. Allele origin: germline.
Comment: The c.1234A>G (p.I412V) alteration is located in exon 10 (coding exon 9) of the TDRD1 gene. This alteration results from a A to G substitution at nucleotide position 1234, causing the isoleucine (I) at amino acid position 412 to be replaced by a valine (V). Based on data from gnomAD, the G allele has an overall frequency of 0.01% (28/268956) total alleles studied. The highest observed frequency was 0.061% (19/31348) of Latino alleles. Based on insufficient or conflicting evidence, the clinical significance of this alteration remains unclear.

NM_001395205.1(TDRD1):c.1234A>G (p.Ile412Val)

Gene: TDRD1 (tudor domain containing 1; plus strand). Cytogenetic location: 10q25.3.
Variant type: single nucleotide variant.
Coding change: c.1234A>G on transcript NM_001395205.1 (MANE Select); coding-DNA position 1234, A replaced by G.
Protein change: p.Ile412Val; replaces isoleucine 412 with valine.
Molecular consequence: missense variant.
Genome position (GRCh38, 1-based): chr10:114,204,830, A>G. VCF-style: chr10-114204830-A-G. GRCh37 (hg19) VCF-style: chr10-115964589-A-G.
Other names: c.1234A>G, p.Ile412Val (NM_001365891.2, NM_001385363.1, NM_001385364.2 and 8 more transcripts); c.1090A>G, p.Ile364Val (NM_001385371.1); short protein forms I412V, I364V.
Identifiers: ClinVar variation 2348018 (VCV002348018.3), dbSNP rs775483482, ClinGen allele CA5699489.